The following is an entry in ClinVar:

ClinVar aggregate classification (germline): Likely benign (1 of 4 stars; one submission).

Conditions:
Ehlers-Danlos syndrome, type 4 (EDSVASC). Also called: Ehlers-Danlos Syndrome Type IV; Ehlers-Danlos syndrome vascular type; Ehlers Danlos syndrome, ecchymotic type; Ehlers Danlos syndrome, arterial type; Ehlers Danlos syndrome, Sack-Barabas type. Identifiers: Orphanet 286, MedGen C0268338, MONDO:0017314, OMIM 130050.

Allele frequency attached by ClinVar (database versions not stated): gnomAD exomes below 0.00001; TOPMed below 0.00001.
gnomAD v4.1: 2 of 1,553,270 alleles (0.00013%); highest among the groups gnomAD compares: Non-Finnish European, 0.00017%; no homozygotes.

Submission:

All of Us Research Program, National Institutes of Health
Classification: Likely benign for Ehlers-Danlos syndrome, type 4. Last evaluated: 2023-06-08. Review status: criteria provided, single submitter. Criteria: ACMG Guidelines, 2015. Collection method: clinical testing. Allele origin: germline. Inheritance: Autosomal dominant inheritance. Observed: 1 variant allele, 1 heterozygote.
Comment: This study involves interpretation of variants in research participants for the purpose of population health screening. Participant phenotype was not available at the time of variant classification. Additional details can be found in publication PMID: 35346344, PMCID: PMC8962531

NM_000090.4(COL3A1):c.1608+4C>T

Gene: COL3A1 (collagen type III alpha 1 chain; plus strand). Cytogenetic location: 2q32.2.
Variant type: single nucleotide variant.
Coding change: c.1608+4C>T on transcript NM_000090.4 (MANE Select); 4 bases into the intron after coding-DNA position 1608, C replaced by T.
Molecular consequence: intron variant.
Genome position (GRCh38, 1-based): chr2:188,995,794, C>T. VCF-style: chr2-188995794-C-T. GRCh37 (hg19) VCF-style: chr2-189860520-C-T.
Identifiers: ClinVar variation 3071565 (VCV003071565.1), dbSNP rs1469239828, ClinGen allele CA538441298.